The following is an entry in ClinVar:

ClinVar aggregate classification (germline): Uncertain significance. Review status: criteria provided, multiple submitters, no conflicts (2 of 4 stars). 2 submissions from 2 submitters: Uncertain significance (2). Last evaluated 2023-07-17.

Conditions:
Congenital contractures of the limbs and face, hypotonia, and developmental delay (CLIFAHDD). Identifiers: Orphanet 562528, MedGen C4225398, MONDO:0014556, OMIM 616266.

Allele frequency attached by ClinVar (database versions not stated): ExAC 0.00001; gnomAD exomes 0.00001.
gnomAD v4.1: 9 of 1,542,218 alleles (0.00058%); highest among the groups gnomAD compares: Admixed American, 0.004%; no homozygotes.

Submissions (2):

Victorian Clinical Genetics Services, Murdoch Childrens Research Institute
Classification: Uncertain significance for Congenital contractures of the limbs and face, hypotonia, and developmental delay. Last evaluated: 2023-07-17. Review status: criteria provided, single submitter. Criteria: ACMG Guidelines, 2015. Collection method: clinical testing. Allele origin: germline. Inheritance: Autosomal dominant inheritance. Affected: yes.
Comment: Based on the classification scheme VCGS_Germline_v1.3.4, this variant is classified as VUS-3B. Following criteria are met: 0103 - Loss of function is a known mechanism of disease in this gene and is associated with autosomal recessive hypotonia, infantile, with psychomotor retardation and characteristic facies 1 (MIM#615419). Dominant negative and gain of function are postulated mechanisms for autosomal dominant congenital contractures of the limbs and face, hypotonia, and developmental delay (MIM# 6162660) (PMID: 26763878). (I) 0108 - This gene is associated with both recessive and dominant disease. The recessive condition is associated with both null variants and missense variants outside of the S5/S6 segments of the protein (PMID: 30167850), whereas the dominant condition is mostly associated with missense variants within the S5/S6 segments (PMID: 26763878). (I) 0200 - Variant is predicted to result in a missense amino acid change from proline to leucine. (I) 0251 - This variant is heterozygous. (I) 0302 - Variant is present in gnomAD (v2) <0.001 for a dominant condition (3 heterozygotes, 0 homozygotes). However, the quality of two of these heterozygotes is questionable. (SP) 0501 - Missense variant consistently predicted to be damaging by multiple in silico tools or highly conserved with a major amino acid change. (SP) 0600 - Variant is located in the annotated ion transporter protein domain (DECIPHER). (I) 0705 - No comparable missense variants have previous evidence for pathogenicity. (I) 0809 - Previous evidence of pathogenicity for this variant is inconclusive. This variant has been previously reported as a VUS, where it was observed in a child with global developmental delay, speech delay and autistic behaviour. The variant was inherited from their unaffected mother (ClinVar, personal communication). (I) 0905 - No published segregation evidence has been identified for this variant. (I) 1007 - No published functional evidence has been identified for this variant. (SP) Legend: (SP) - Supporting pathogenic, (I) - Information, (SB) - Supporting benign

GeneDx
Classification: Uncertain significance. Last evaluated: 2022-01-28. Review status: criteria provided, single submitter. Criteria: GeneDx Variant Classification Process June 2021. Collection method: clinical testing. Allele origin: germline. Affected: yes.
Comment: Has not been previously published as pathogenic or benign to our knowledge; In silico analysis supports that this missense variant has a deleterious effect on protein structure/function

Literature cited by the submitters: PubMed 26763878 (cited by Victorian Clinical Genetics Services, Murdoch Childrens Research Institute); PubMed 30167850 (cited by Victorian Clinical Genetics Services, Murdoch Childrens Research Institute).

NM_052867.4(NALCN):c.1622C>T (p.Pro541Leu)

Gene: NALCN (sodium leak channel, non-selective; minus strand). Cytogenetic location: 13q33.1.
Variant type: single nucleotide variant.
Coding change: c.1622C>T on transcript NM_052867.4 (MANE Select); coding-DNA position 1622, C replaced by T.
Protein change: p.Pro541Leu; replaces proline 541 with leucine.
Molecular consequence: missense variant.
Genome position (GRCh38, 1-based): chr13:101,229,397, G>A on the plus strand (C>T on the coding strand, the complement: NALCN is on the minus strand). VCF-style: chr13-101229397-G-A. GRCh37 (hg19) VCF-style: chr13-101881748-G-A.
Other names: c.1622C>T (NM_052867.3); c.1622C>T, p.Pro541Leu (NM_001350748.2, NM_001350749.2); c.1535C>T, p.Pro512Leu (NM_001350750.2, NM_001350751.2); short protein forms P512L, P541L.
Identifiers: ClinVar variation 1183849 (VCV001183849.5), dbSNP rs749151544, ClinGen allele CA7036185.